The following is an entry in ClinVar:

ClinVar aggregate classification (germline): Uncertain significance (1 of 4 stars; one submission).

Allele frequency attached by ClinVar (database versions not stated): TOPMed below 0.00001; gnomAD 0.00001; gnomAD exomes 0.00001; ExAC 0.00004.
gnomAD v4.1: 9 of 1,613,646 alleles (0.00056%); highest among the groups gnomAD compares: Non-Finnish European, 0.00076%; no homozygotes.

Submission:

Labcorp Genetics (formerly Invitae), Labcorp
Classification: Uncertain significance. Last evaluated: 2022-04-09. Review status: criteria provided, single submitter. Criteria: Invitae Variant Classification Sherloc (09022015). Collection method: clinical testing. Allele origin: germline.
Comment: Algorithms developed to predict the effect of missense changes on protein structure and function (SIFT, PolyPhen-2, Align-GVGD) all suggest that this variant is likely to be tolerated. In summary, the available evidence is currently insufficient to determine the role of this variant in disease. Therefore, it has been classified as a Variant of Uncertain Significance. This variant has not been reported in the literature in individuals affected with STAT4-related conditions. This variant is present in population databases (rs763055396, gnomAD 0.004%). This sequence change replaces asparagine, which is neutral and polar, with aspartic acid, which is acidic and polar, at codon 120 of the STAT4 protein (p.Asn120Asp).

NM_003151.4(STAT4):c.358A>G (p.Asn120Asp)

Gene: STAT4 (signal transducer and activator of transcription 4; minus strand). Cytogenetic location: 2q32.2.
Variant type: single nucleotide variant.
Coding change: c.358A>G on transcript NM_003151.4 (MANE Select); coding-DNA position 358, A replaced by G.
Protein change: p.Asn120Asp; replaces asparagine 120 with aspartic acid.
Molecular consequence: missense variant.
Genome position (GRCh38, 1-based): chr2:191,076,241, T>C on the plus strand (A>G on the coding strand, the complement: STAT4 is on the minus strand). VCF-style: chr2-191076241-T-C. GRCh37 (hg19) VCF-style: chr2-191940967-T-C.
Other names: c.358A>G, p.Asn120Asp (NM_001243835.2); short protein forms N120D.
Identifiers: ClinVar variation 1926128 (VCV001926128.5), dbSNP rs763055396, ClinGen allele CA2030918.